The following is an entry in ClinVar:

NM_004750.5(CRLF1):c.841A>G (p.Ser281Gly)

Genes: CRLF1 (cytokine receptor like factor 1; minus strand), LOC112543470 (Sharpr-MPRA regulatory region 11645; plus strand). Cytogenetic location: 19p13.11.
Variant type: single nucleotide variant.
Coding change: c.841A>G on transcript NM_004750.5 (MANE Select); coding-DNA position 841, A replaced by G.
Protein change: p.Ser281Gly; replaces serine 281 with glycine.
Molecular consequence: missense variant.
Genome position (GRCh38, 1-based): chr19:18,596,906, T>C on the plus strand (A>G on the coding strand, the complement: CRLF1 is on the minus strand). VCF-style: chr19-18596906-T-C. GRCh37 (hg19) VCF-style: chr19-18707716-T-C.
Other names: c.841A>G (NM_004750.4); short protein forms S281G.
Identifiers: ClinVar variation 2055113 (VCV002055113.3), dbSNP rs752630628, ClinGen allele CA9314091.

ClinVar aggregate classification (germline): Uncertain significance. Review status: criteria provided, multiple submitters, no conflicts (2 of 4 stars). 2 submissions from 2 submitters: Uncertain significance (2). Last evaluated 2024-10-01.

Conditions:
Inborn genetic diseases. Identifiers: MedGen C0950123, MeSH D030342.

Allele frequency attached by ClinVar (database versions not stated): ExAC 0.00002; gnomAD exomes 0.00002; TOPMed 0.00002.
gnomAD v4.1: 37 of 1,613,954 alleles (0.0023%); highest among the groups gnomAD compares: Admixed American, 0.0033%; no homozygotes.

Submissions (2):

Ambry Genetics
Classification: Uncertain significance for Inborn genetic diseases. Last evaluated: 2024-10-01. Review status: criteria provided, single submitter. Criteria: Ambry Variant Classification Scheme 2023. Collection method: clinical testing. Allele origin: germline.

Labcorp Genetics (formerly Invitae), Labcorp
Classification: Uncertain significance. Last evaluated: 2022-08-02. Review status: criteria provided, single submitter. Criteria: Invitae Variant Classification Sherloc (09022015). Collection method: clinical testing. Allele origin: germline.
Comment: This sequence change replaces serine, which is neutral and polar, with glycine, which is neutral and non-polar, at codon 281 of the CRLF1 protein (p.Ser281Gly). This variant is present in population databases (rs752630628, gnomAD 0.004%). This variant has not been reported in the literature in individuals affected with CRLF1-related conditions. Algorithms developed to predict the effect of missense changes on protein structure and function (SIFT, PolyPhen-2, Align-GVGD) all suggest that this variant is likely to be tolerated. In summary, the available evidence is currently insufficient to determine the role of this variant in disease. Therefore, it has been classified as a Variant of Uncertain Significance.